The following is an entry in ClinVar:

NM_000143.4(FH):c.355G>A (p.Ala119Thr)

Gene: FH (fumarate hydratase; minus strand). Cytogenetic location: 1q43.
Variant type: single nucleotide variant.
Coding change: c.355G>A on transcript NM_000143.4 (MANE Select); coding-DNA position 355, G replaced by A.
Protein change: p.Ala119Thr; replaces alanine 119 with threonine.
Molecular consequence: missense variant.
Genome position (GRCh38, 1-based): chr1:241,513,626, C>T on the plus strand (G>A on the coding strand, the complement: FH is on the minus strand). VCF-style: chr1-241513626-C-T. GRCh37 (hg19) VCF-style: chr1-241676926-C-T.
Other names: short protein forms A119T.
Identifiers: ClinVar variation 2183078 (VCV002183078.5), dbSNP rs776891545, ClinGen allele CA40333025.
Genomic context (GRCh38, chr1:241,513,626, plus strand): 5'-CTGAGGTTATTAAGCAAACACACTTATCACCTCCTACCTCATCTGCTGCCTTCATTATTG[C>T]ATTAGCAATCTTTGGATCAAGACCATAATCCTGGTTTACTTCAGCGGCCGCTCGCTTCAA-3'
Protein context (NP_000134.2, residues 109-129): DYGLDPKIAN[Ala119Thr]IMKAADEVAE

ClinVar aggregate classification (germline): Uncertain significance. Review status: criteria provided, multiple submitters, no conflicts (2 of 4 stars). 2 submissions from 2 submitters: Uncertain significance (2). Last evaluated 2026-07-06.

Conditions:
Hereditary cancer-predisposing syndrome. Also called: Tumor predisposition; Hereditary Cancer Syndrome; Hereditary neoplastic syndrome; Neoplastic Syndromes, Hereditary. Identifiers: Orphanet 140162, MedGen C0027672, MeSH D009386, MONDO:0015356.

Allele frequency attached by ClinVar (database versions not stated): TOPMed below 0.00001; gnomAD 0.00001.
gnomAD v4.1: 1 of 1,613,840 alleles (0.000062%); highest among the groups gnomAD compares: Non-Finnish European, 0.000085%; no homozygotes.

Submissions (2):

Ambry Genetics
Classification: Uncertain significance for Hereditary cancer-predisposing syndrome. Last evaluated: 2026-07-06. Review status: criteria provided, single submitter. Criteria: Ambry Variant Classification Scheme 2023. Collection method: clinical testing. Allele origin: germline.
Comment: The p.A119T variant (also known as c.355G>A), located in coding exon 3 of the FH gene, results from a G to A substitution at nucleotide position 355. The alanine at codon 119 is replaced by threonine, an amino acid with similar properties. This amino acid position is conserved. In addition, this alteration is predicted to be deleterious by in silico analysis. Based on the available evidence, the clinical significance of this variant remains unclear.

Labcorp Genetics (formerly Invitae), Labcorp
Classification: Uncertain significance. Last evaluated: 2024-04-15. Review status: criteria provided, single submitter. Criteria: Invitae Variant Classification Sherloc (09022015). Collection method: clinical testing. Allele origin: germline.
Comment: This sequence change replaces alanine, which is neutral and non-polar, with threonine, which is neutral and polar, at codon 119 of the FH protein (p.Ala119Thr). This variant is not present in population databases (gnomAD no frequency). This variant has not been reported in the literature in individuals affected with FH-related conditions. ClinVar contains an entry for this variant (Variation ID: 2183078). Advanced modeling of protein sequence and biophysical properties (such as structural, functional, and spatial information, amino acid conservation, physicochemical variation, residue mobility, and thermodynamic stability) has been performed at Invitae for this missense variant, however the output from this modeling did not meet the statistical confidence thresholds required to predict the impact of this variant on FH protein function. In summary, the available evidence is currently insufficient to determine the role of this variant in disease. Therefore, it has been classified as a Variant of Uncertain Significance.